The following is an entry in ClinVar:

ClinVar aggregate classification (germline): Conflicting classifications of pathogenicity. Review status: criteria provided, conflicting classifications (1 of 4 stars). 2 submissions from 2 submitters: Uncertain significance (1); Likely benign (1). Last evaluated 2024-12-08.

Conditions:
Inborn genetic diseases. Identifiers: MedGen C0950123, MeSH D030342.

Submissions (2):

Ambry Genetics
Classification: Likely benign for Inborn genetic diseases. Last evaluated: 2024-12-08. Review status: criteria provided, single submitter. Criteria: Ambry Variant Classification Scheme 2023. Collection method: clinical testing. Allele origin: germline.

Labcorp Genetics (formerly Invitae), Labcorp
Classification: Uncertain significance. Last evaluated: 2024-08-13. Review status: criteria provided, single submitter. Criteria: Invitae Variant Classification Sherloc (09022015). Collection method: clinical testing. Allele origin: germline.
Comment: This sequence change replaces valine, which is neutral and non-polar, with isoleucine, which is neutral and non-polar, at codon 1589 of the SAMD9 protein (p.Val1589Ile). This variant is not present in population databases (gnomAD no frequency). This variant has not been reported in the literature in individuals affected with SAMD9-related conditions. ClinVar contains an entry for this variant (Variation ID: 1998841). Invitae Evidence Modeling of protein sequence and biophysical properties (such as structural, functional, and spatial information, amino acid conservation, physicochemical variation, residue mobility, and thermodynamic stability) indicates that this missense variant is not expected to disrupt SAMD9 protein function with a negative predictive value of 95%. In summary, the available evidence is currently insufficient to determine the role of this variant in disease. Therefore, it has been classified as a Variant of Uncertain Significance.

NM_017654.4(SAMD9):c.4765G>A (p.Val1589Ile)

Gene: SAMD9 (sterile alpha motif domain containing 9; minus strand). Cytogenetic location: 7q21.2.
Variant type: single nucleotide variant.
Coding change: c.4765G>A on transcript NM_017654.4 (MANE Select); coding-DNA position 4765, G replaced by A.
Protein change: p.Val1589Ile; replaces valine 1589 with isoleucine.
Molecular consequence: missense variant.
Genome position (GRCh38, 1-based): chr7:93,101,333, C>T on the plus strand (G>A on the coding strand, the complement: SAMD9 is on the minus strand). VCF-style: chr7-93101333-C-T. GRCh37 (hg19) VCF-style: chr7-92730646-C-T.
Other names: c.4765G>A (NM_017654.3); c.4765G>A, p.Val1589Ile (NM_001193307.2); short protein forms V1589I.
Identifiers: ClinVar variation 1998841 (VCV001998841.5), dbSNP rs2535352440, ClinGen allele CA368175368.